The following is an entry in ClinVar:

NM_003742.4(ABCB11):c.1941del (p.Gly648fs)

Gene: ABCB11 (ATP binding cassette subfamily B member 11; minus strand). Cytogenetic location: 2q31.1.
Variant type: Deletion.
Coding change: c.1941del on transcript NM_003742.4 (MANE Select); coding-DNA position 1941, one base deleted (A; older notation c.1941delA).
Protein change: p.Gly648fs; shifts the reading frame from glycine 648.
Molecular consequence: frameshift variant.
Genome position (GRCh38, 1-based): chr2:168,969,420, T deleted on the plus strand (A on the coding strand, the reverse complement: ABCB11 is on the minus strand); the first of 3 consecutive T bases (chr2:168,969,420-168,969,422); deleting any one gives the same sequence. VCF-style (leftmost placement, unchanged base first): chr2-168969419-CT-C. GRCh37 (hg19) VCF-style: chr2-169825929-CT-C.
Other names: NM_003742.4(ABCB11):c.1941del; p.Gly648fs; c.1941delA (NM_003742.4); short protein forms G648fs.
Identifiers: ClinVar variation 1453324 (VCV001453324.12), dbSNP rs1470131264, ClinGen allele CA760470130.

ClinVar aggregate classification (germline): Pathogenic. Review status: criteria provided, multiple submitters, no conflicts (2 of 4 stars). 5 submissions from 5 submitters: Pathogenic (5). Last evaluated 2026-04-14.

Conditions:
Progressive familial intrahepatic cholestasis type 2. Identifiers: Orphanet 79304, MedGen C3489789, MONDO:0011156, OMIM 601847.
Familial intrahepatic cholestasis. Identifiers: Orphanet 284385, MedGen CN296401, MONDO:0017290.
Benign recurrent intrahepatic cholestasis type 2 (BRIC2). Also called: Recurrent familial intrahepatic cholestasis 2. Identifiers: Orphanet 65682, Orphanet 99961, MedGen C2608083, MONDO:0011559, OMIM 605479.

Submissions (5):

Genomenon, Inc
Classification: Pathogenic for Familial intrahepatic cholestasis. Last evaluated: 2026-04-14. Review status: criteria provided, single submitter. Criteria: Genomenon Sequence Variant Interpretation Standards - Updated. Collection method: curation. Allele origin: germline. Affected: yes.
Comment: ABCB11 p.Gly648ValfsTer6 (c.1941del) is a frameshift variant that results in the production of a truncated protein which is predicted to undergo nonsense-mediated mRNA decay. This variant has been observed in at least one proband with an ABCB11-related disorder (PMID:18395098;16871584). It is absent or not present at a significant frequency in gnomAD. In conclusion, we classify ABCB11 p.Gly648ValfsTer6 (c.1941del) as a pathogenic variant.

Broad Center for Mendelian Genomics, Broad Institute of MIT and Harvard
Classification: Pathogenic for Progressive familial intrahepatic cholestasis type 2. Last evaluated: 2025-01-24. Review status: criteria provided, single submitter. Criteria: ACMG Guidelines, 2015. Collection method: curation. Allele origin: germline. Inheritance: Autosomal recessive inheritance.
Comment: The p.Gly648ValfsTer6 variant in ABCB11 has been reported, in the compound heterozygous state, in 1 individual with BSEP deficiency (PMID: 16871584; Variation ID: 284637), and has been identified in 0.0007% (8/1179272) of European (non-Finnish) chromosomes by the Genome Aggregation Database (gnomAD; dbSNP rs1470131264). Although this variant has been seen in the general population in a heterozygous state, its frequency is low enough to be consistent with a recessive carrier frequency. This variant has also been reported in ClinVar (Variation ID: 1453324) and has been interpreted as pathogenic by Invitae. This variant is predicted to cause a frameshift, which alters the protein‚Äôs amino acid sequence beginning at position 648 and leads to a premature termination codon 6 amino acids downstream. This alteration is then predicted to lead to a truncated or absent protein. Loss of function of the ABCB11 gene is an established disease mechanism in autosomal recessive BSEP deficiency. In summary, this variant meets criteria to be classified as pathogenic for autosomal recessive BSEP deficiency. ACMG/AMP criteria applied: PVS1, PM2_supporting, PM3 (Richards 2015).

Natera, Inc.
Classification: Pathogenic for Progressive familial intrahepatic cholestasis type 2. Last evaluated: 2024-09-18. Review status: criteria provided, single submitter. Criteria: Natera Variant Classification Schema (03/2026). Collection method: clinical testing. Allele origin: germline.
Comment: The c.1941delA variant in ABCB11 is a frameshift variant predicted to shift the reading frame beginning at codon 648 and leads to a stop codon 6 codons downstream. This variant is expected to result in nonsense mediated decay, truncation, or a dysfunctional protein product. This variant is rare in the general population with a frequency below the threshold expected for the associated phenotype(s). This variant has been observed in one or more individuals affected with the associated recessive disease, as either homozygous or compound heterozygous with a second variant (PMID: 32087350, 18395098). Given the available evidence, this variant is classified as Pathogenic.

Baylor Genetics
Classification: Pathogenic for Benign recurrent intrahepatic cholestasis type 2. Last evaluated: 2023-11-09. Review status: criteria provided, single submitter. Criteria: ACMG Guidelines, 2015. Collection method: clinical testing. Allele origin: unknown.

Labcorp Genetics (formerly Invitae), Labcorp
Classification: Pathogenic. Last evaluated: 2023-09-29. Review status: criteria provided, single submitter. Criteria: Invitae Variant Classification Sherloc (09022015). Collection method: clinical testing. Allele origin: germline.
Comment: This variant is also known as 1939delA. This premature translational stop signal has been observed in individual(s) with ABCB11-related conditions (PMID: 16871584, 18395098). This variant is not present in population databases (gnomAD no frequency). This sequence change creates a premature translational stop signal (p.Gly648Valfs*6) in the ABCB11 gene. It is expected to result in an absent or disrupted protein product. Loss-of-function variants in ABCB11 are known to be pathogenic (PMID: 18395098, 20232290). ClinVar contains an entry for this variant (Variation ID: 1453324). For these reasons, this variant has been classified as Pathogenic.

Literature cited by the submitters: PubMed 18395098 (cited by 3 submitters); PubMed 16871584 (cited by Genomenon, Inc and Labcorp Genetics (formerly Invitae), Labcorp); PubMed 32087350 (cited by Natera, Inc.); PubMed 20232290 (cited by Labcorp Genetics (formerly Invitae), Labcorp).